The following is an entry in ClinVar:

NM_177438.3(DICER1):c.4576G>A (p.Gly1526Arg)

Gene: DICER1 (dicer 1, ribonuclease III; minus strand). Cytogenetic location: 14q32.13.
Variant type: single nucleotide variant.
Coding change: c.4576G>A on transcript NM_177438.3 (MANE Select); coding-DNA position 4576, G replaced by A.
Protein change: p.Gly1526Arg; replaces glycine 1526 with arginine.
Molecular consequence: missense variant. On other transcripts: non-coding transcript variant (6).
Genome position (GRCh38, 1-based): chr14:95,096,344, C>T on the plus strand (G>A on the coding strand, the complement: DICER1 is on the minus strand). VCF-style: chr14-95096344-C-T. GRCh37 (hg19) VCF-style: chr14-95562681-C-T.
Other names: c.4576G>A, p.Gly1526Arg (NM_001395677.1, NM_001395678.1, NM_001395679.1 and 13 more transcripts); c.4294G>A, p.Gly1432Arg (NM_001395686.1); c.4171G>A, p.Gly1391Arg (NM_001395687.1, NM_001395688.1, NM_001395689.1 and 2 more transcripts); c.4009G>A, p.Gly1337Arg (NM_001395691.1); c.2893G>A, p.Gly965Arg (NM_001395697.1); short protein forms G1391R, G1432R, G1526R, G965R, G1337R.
Identifiers: ClinVar variation 2701454 (VCV002701454.3), dbSNP rs2139847858, ClinGen allele CA390867779.
Genomic context (GRCh38, chr14:95,096,344, plus strand): 5'-AAGAAATGGACTGCTTTCCCGTGTCAACACCACAGTTTTCTTCTGATGGATTCCAGAACC[C>T]CACCACAAAGTCATCTTCTTCAACAGCTTTGCTAGGATCCAGATAGCACATTGCATCCCA-3'
Protein context (NP_803187.1, residues 1516-1536): KAVEEDDFVV[Gly1526Arg]FWNPSEENCG

ClinVar aggregate classification (germline): Uncertain significance (1 of 4 stars; one submission).

Conditions:
DICER1-related tumor predisposition. Also called: DICER1-related pleuropulmonary blastoma cancer predisposition syndrome; DICER1 syndrome. Identifiers: Orphanet 284343, MedGen C3839822, MONDO:0100216.

Allele frequency attached by ClinVar (database versions not stated): gnomAD exomes below 0.00001.
gnomAD v4.1: 1 of 1,614,186 alleles (0.000062%); highest among the groups gnomAD compares: Non-Finnish European, 0.000085%; no homozygotes.

Submission:

Labcorp Genetics (formerly Invitae), Labcorp
Classification: Uncertain significance for DICER1-related tumor predisposition. Last evaluated: 2023-12-08. Review status: criteria provided, single submitter. Criteria: Invitae Variant Classification Sherloc (09022015). Collection method: clinical testing. Allele origin: germline.
Comment: This sequence change replaces glycine, which is neutral and non-polar, with arginine, which is basic and polar, at codon 1526 of the DICER1 protein (p.Gly1526Arg). This variant is not present in population databases (gnomAD no frequency). This variant has not been reported in the literature in individuals affected with DICER1-related conditions. An algorithm developed to predict the effect of missense changes on protein structure and function (PolyPhen-2) suggests that this variant is likely to be disruptive. In summary, the available evidence is currently insufficient to determine the role of this variant in disease. Therefore, it has been classified as a Variant of Uncertain Significance.